The following is an entry in ClinVar:

NM_003611.3(OFD1):c.2465A>G (p.Glu822Gly)

Gene: OFD1 (OFD1 centriole and centriolar satellite protein; plus strand). Cytogenetic location: Xp22.2.
Variant type: single nucleotide variant.
Coding change: c.2465A>G on transcript NM_003611.3 (MANE Select); coding-DNA position 2465, A replaced by G.
Protein change: p.Glu822Gly; replaces glutamic acid 822 with glycine.
Molecular consequence: missense variant.
Genome position (GRCh38, 1-based): chrX:13,762,421, A>G. VCF-style: chrX-13762421-A-G. GRCh37 (hg19) VCF-style: chrX-13780540-A-G.
Other names: c.2345A>G, p.Glu782Gly (NM_001330209.2); c.2045A>G, p.Glu682Gly (NM_001330210.2); short protein forms E682G, E822G, E782G.
Identifiers: ClinVar variation 2004411 (VCV002004411.4), dbSNP rs2518960384, ClinGen allele CA412345333.

ClinVar aggregate classification (germline): Uncertain significance (1 of 4 stars; one submission).

Conditions:
Joubert syndrome. Also called: CEREBELLOPARENCHYMAL DISORDER IV; JOUBERT-BOLTSHAUSER SYNDROME; Familial aplasia of the vermis. Identifiers: Orphanet 475, MedGen C5979921, MONDO:0018772.
Orofaciodigital syndrome I (OFD1). Also called: OFDS I; Papillon-Leage and Psaume Syndrome; Oral-Facial-Digital Syndrome Type I. Identifiers: Orphanet 2750, MedGen C1510460, MONDO:0010702, OMIM 311200.

Submission:

Labcorp Genetics (formerly Invitae), Labcorp
Classification: Uncertain significance for Orofaciodigital syndrome I; Joubert syndrome. Last evaluated: 2022-08-19. Review status: criteria provided, single submitter. Criteria: Invitae Variant Classification Sherloc (09022015). Collection method: clinical testing. Allele origin: germline.
Comment: This sequence change replaces glutamic acid, which is acidic and polar, with glycine, which is neutral and non-polar, at codon 822 of the OFD1 protein (p.Glu822Gly). This variant is not present in population databases (gnomAD no frequency). This variant has not been reported in the literature in individuals affected with OFD1-related conditions. Algorithms developed to predict the effect of missense changes on protein structure and function are either unavailable or do not agree on the potential impact of this missense change (SIFT: "Deleterious"; PolyPhen-2: "Possibly Damaging"; Align-GVGD: "Class C0"). In summary, the available evidence is currently insufficient to determine the role of this variant in disease. Therefore, it has been classified as a Variant of Uncertain Significance.